The following is an entry in ClinVar:

ClinVar aggregate classification (germline): Uncertain significance (1 of 4 stars; one submission).

Conditions:
Neuropathy, hereditary sensory, type 2C. Also called: Hereditary sensory and autonomic neuropathy type IIC; KIF1A-Related HSAN2 (HSAN2C). Identifiers: Orphanet 970, MedGen C3280168, MONDO:0013634, OMIM 614213.
Hereditary spastic paraplegia 30. Identifiers: Orphanet 101010, MedGen C5235139, MONDO:0012476.
Intellectual disability, autosomal dominant 9 (NESCAVS). Also called: NESCAV SYNDROME; KIF1A-Related Neurodevelopmental Disorder. Identifiers: Orphanet 662367, MedGen C5393830, MONDO:0013656, OMIM 614255.

Allele frequency attached by ClinVar (database versions not stated): gnomAD exomes below 0.00001.
gnomAD v4.1: 2 of 1,613,552 alleles (0.00012%); highest among the groups gnomAD compares: Non-Finnish European, 0.00017%; no homozygotes.

Submission:

Labcorp Genetics (formerly Invitae), Labcorp
Classification: Uncertain significance for Hereditary spastic paraplegia 30; Neuropathy, hereditary sensory, type 2C; Intellectual disability, autosomal dominant 9. Last evaluated: 2024-08-28. Review status: criteria provided, single submitter. Criteria: Invitae Variant Classification Sherloc (09022015). Collection method: clinical testing. Allele origin: germline.
Comment: This sequence change replaces glycine, which is neutral and non-polar, with aspartic acid, which is acidic and polar, at codon 400 of the KIF1A protein (p.Gly400Asp). This variant is not present in population databases (gnomAD no frequency). This variant has not been reported in the literature in individuals affected with KIF1A-related conditions. Invitae Evidence Modeling of protein sequence and biophysical properties (such as structural, functional, and spatial information, amino acid conservation, physicochemical variation, residue mobility, and thermodynamic stability) indicates that this missense variant is expected to disrupt KIF1A protein function with a positive predictive value of 95%. In summary, the available evidence is currently insufficient to determine the role of this variant in disease. Therefore, it has been classified as a Variant of Uncertain Significance.

NM_001244008.2(KIF1A):c.1226G>A (p.Gly409Asp)

Gene: KIF1A (kinesin family member 1A; minus strand). Cytogenetic location: 2q37.3.
Variant type: single nucleotide variant.
Coding change: c.1226G>A on transcript NM_001244008.2 (MANE Select); coding-DNA position 1226, G replaced by A.
Protein change: p.Gly409Asp; replaces glycine 409 with aspartic acid.
Molecular consequence: missense variant.
Genome position (GRCh38, 1-based): chr2:240,771,086, C>T on the plus strand (G>A on the coding strand, the complement: KIF1A is on the minus strand). VCF-style: chr2-240771086-C-T. GRCh37 (hg19) VCF-style: chr2-241710503-C-T.
Other names: c.1226G>A, p.Gly409Asp (NM_001320705.2, NM_001330289.2, NM_001379638.1); c.1301G>A, p.Gly434Asp (NM_001330290.2, NM_001379631.1, NM_001379634.1 and 2 more transcripts); c.1199G>A, p.Gly400Asp (NM_001379632.1, NM_001379633.1, NM_001379636.1 and 11 more transcripts); c.1274G>A, p.Gly425Asp (NM_001379637.1, NM_001379648.1); short protein forms G400D, G434D, G409D, G425D.
Identifiers: ClinVar variation 2924049 (VCV002924049.3), dbSNP rs2537867064, ClinGen allele CA351330636.